The following is an entry in ClinVar:

ClinVar aggregate classification (germline): Uncertain significance. Review status: criteria provided, multiple submitters, no conflicts (2 of 4 stars). 2 submissions from 2 submitters: Uncertain significance (2). Last evaluated 2025-08-10.

Allele frequency attached by ClinVar (database versions not stated): gnomAD exomes 0.00001; TOPMed 0.00003; ExAC 0.00001; gnomAD 0.00003.
gnomAD v4.1: 20 of 1,613,924 alleles (0.0012%); highest among the groups gnomAD compares: African/African-American, 0.0053%; no homozygotes.

Submissions (2):

Labcorp Genetics (formerly Invitae), Labcorp
Classification: Uncertain significance. Last evaluated: 2025-08-10. Review status: criteria provided, single submitter. Criteria: Invitae Variant Classification Sherloc (09022015). Collection method: clinical testing. Allele origin: germline.
Comment: This sequence change replaces proline, which is neutral and non-polar, with leucine, which is neutral and non-polar, at codon 545 of the MICAL1 protein (p.Pro545Leu). The frequency data for this variant in the population databases is considered unreliable, as metrics indicate poor data quality at this position in the gnomAD database. This variant has not been reported in the literature in individuals affected with MICAL1-related conditions. ClinVar contains an entry for this variant (Variation ID: 2480100). An algorithm developed to predict the effect of missense changes on protein structure and function (PolyPhen-2) suggests that this variant is likely to be tolerated. In summary, the available evidence is currently insufficient to determine the role of this variant in disease. Therefore, it has been classified as a Variant of Uncertain Significance.

Ambry Genetics
Classification: Uncertain significance. Last evaluated: 2023-01-31. Review status: criteria provided, single submitter. Criteria: Ambry Variant Classification Scheme 2023. Collection method: clinical testing. Allele origin: germline.

NM_022765.4(MICAL1):c.1577C>T (p.Pro526Leu)

Gene: MICAL1 (microtubule associated monooxygenase, calponin and LIM domain containing 1; minus strand). Cytogenetic location: 6q21.
Variant type: single nucleotide variant.
Coding change: c.1577C>T on transcript NM_022765.4 (MANE Select); coding-DNA position 1577, C replaced by T.
Protein change: p.Pro526Leu; replaces proline 526 with leucine.
Molecular consequence: missense variant.
Genome position (GRCh38, 1-based): chr6:109,448,819, G>A on the plus strand (C>T on the coding strand, the complement: MICAL1 is on the minus strand). VCF-style: chr6-109448819-G-A. GRCh37 (hg19) VCF-style: chr6-109770022-G-A.
Other names: c.1319C>T, p.Pro440Leu (NM_001159291.2); c.1634C>T, p.Pro545Leu (NM_001286613.2); short protein forms P545L, P526L, P440L.
Identifiers: ClinVar variation 2480100 (VCV002480100.5), dbSNP rs769412139, ClinGen allele CA3953297.